The following is an entry in ClinVar:

NM_007294.4(BRCA1):c.2479G>C (p.Glu827Gln)

Gene: BRCA1 (BRCA1 DNA repair associated; minus strand). Cytogenetic location: 17q21.31.
Variant type: single nucleotide variant.
Coding change: c.2479G>C on transcript NM_007294.4 (MANE Select); coding-DNA position 2479, G replaced by C.
Protein change: p.Glu827Gln; replaces glutamic acid 827 with glutamine.
Molecular consequence: missense variant. On other transcripts: intron variant (137).
Genome position (GRCh38, 1-based): chr17:43,093,052, C>G on the plus strand (G>C on the coding strand, the complement: BRCA1 is on the minus strand). VCF-style: chr17-43093052-C-G. GRCh37 (hg19) VCF-style: chr17-41245069-C-G.
Other names: c.2266G>C, p.Glu756Gln (NM_001407571.1, NM_001407853.1, NM_001407894.1 and 9 more transcripts); c.2479G>C, p.Glu827Gln (NM_001407594.1, NM_001407596.1, NM_001407597.1 and 30 more transcripts); c.2476G>C, p.Glu826Gln (NM_001407610.1, NM_001407611.1, NM_001407587.1 and 22 more transcripts); c.2470G>C, p.Glu824Gln (NM_001407646.1, NM_001407647.1); c.2356G>C, p.Glu786Gln (NM_001407648.1, NM_001407664.1, NM_001407665.1 and 19 more transcripts); c.2353G>C, p.Glu785Gln (NM_001407649.1, NM_001407670.1, NM_001407671.1 and 11 more transcripts); c.2401G>C, p.Glu801Gln (NM_001407653.1, NM_001407654.1, NM_001407655.1 and 4 more transcripts); c.2398G>C, p.Glu800Gln (NM_001407659.1, NM_001407660.1, NM_001407661.1 and 1 more transcripts); and 41 more; short protein forms E780Q, E827Q, E659Q, E699Q, E715Q, E716Q, E779Q, E700Q.
Identifiers: ClinVar variation 645518 (VCV000645518.14), dbSNP rs1597869731, ClinGen allele CA10597045.

ClinVar aggregate classification (germline): Conflicting classifications of pathogenicity. Review status: criteria provided, conflicting classifications (1 of 4 stars). 3 submissions from 3 submitters: Uncertain significance (2); Likely benign (1). Last evaluated 2023-03-23.

Conditions:
Hereditary cancer-predisposing syndrome. Also called: Hereditary Cancer Syndrome; Tumor predisposition; Hereditary neoplastic syndrome; Neoplastic Syndromes, Hereditary. Identifiers: Orphanet 140162, MedGen C0027672, MeSH D009386, MONDO:0015356.
Hereditary breast ovarian cancer syndrome. Also called: Hereditary breast and ovarian cancer; Hereditary breast and ovarian cancer syndrome; BRCA1- and BRCA2-Associated Hereditary Breast and Ovarian Cancer; Hereditary breast and ovarian cancer syndrome (HBOC); Breast and ovarian cancer; Hereditary breast and/or ovarian cancer syndrome. Identifiers: Orphanet 145, MedGen C0677776, MeSH D061325, MONDO:0003582. Disease mechanism: loss of function.

Submissions (3):

University of Washington Department of Laboratory Medicine, University of Washington
Classification: Likely benign for Hereditary cancer-predisposing syndrome. Last evaluated: 2023-03-23. Review status: criteria provided, single submitter. Criteria: Dines et al. (Genet Med. 2020). Collection method: curation. Allele origin: germline.
Comment: Missense variant in a coldspot region where missense variants are very unlikely to be pathogenic (PMID:31911673).

BRCA1 coldspot (exon 11 using historical exon numbering). Reclassification based on statistical prior probability

Labcorp Genetics (formerly Invitae), Labcorp
Classification: Uncertain significance for Hereditary breast ovarian cancer syndrome. Last evaluated: 2020-11-25. Review status: criteria provided, single submitter. Criteria: Invitae Variant Classification Sherloc (09022015). Collection method: clinical testing. Allele origin: germline.
Comment: Advanced modeling of protein sequence and biophysical properties (such as structural, functional, and spatial information, amino acid conservation, physicochemical variation, residue mobility, and thermodynamic stability) performed at Invitae indicates that this missense variant is not expected to disrupt BRCA1 protein function. In summary, the available evidence is currently insufficient to determine the role of this variant in disease. Therefore, it has been classified as a Variant of Uncertain Significance. This variant has not been reported in the literature in individuals with BRCA1-related conditions. ClinVar contains an entry for this variant (Variation ID: 645518). This sequence change replaces glutamic acid with glutamine at codon 827 of the BRCA1 protein (p.Glu827Gln). The glutamic acid residue is moderately conserved and there is a small physicochemical difference between glutamic acid and glutamine. This variant is not present in population databases (ExAC no frequency).

Ambry Genetics
Classification: Uncertain significance for Hereditary cancer-predisposing syndrome. Last evaluated: 2019-11-05. Review status: criteria provided, single submitter. Criteria: Ambry Variant Classification Scheme 2023. Collection method: clinical testing. Allele origin: germline.
Comment: The p.E827Q variant (also known as c.2479G>C), located in coding exon 9 of the BRCA1 gene, results from a G to C substitution at nucleotide position 2479. The glutamic acid at codon 827 is replaced by glutamine, an amino acid with highly similar properties. This amino acid position is well conserved in available vertebrate species. In addition, the in silico prediction for this alteration is inconclusive. Since supporting evidence is limited at this time, the clinical significance of this alteration remains unclear.